The following is an entry in ClinVar:

NM_001376.5(DYNC1H1):c.12533G>A (p.Arg4178His)

Gene: DYNC1H1 (dynein cytoplasmic 1 heavy chain 1; plus strand). Cytogenetic location: 14q32.31.
Variant type: single nucleotide variant.
Coding change: c.12533G>A on transcript NM_001376.5 (MANE Select); coding-DNA position 12533, G replaced by A.
Protein change: p.Arg4178His; replaces arginine 4178 with histidine.
Molecular consequence: missense variant.
Genome position (GRCh38, 1-based): chr14:102,043,894, G>A. VCF-style: chr14-102043894-G-A. GRCh37 (hg19) VCF-style: chr14-102510231-G-A.
Other names: c.12533G>A (NM_001376.4); short protein forms R4178H.
Identifiers: ClinVar variation 1439330 (VCV001439330.6), dbSNP rs2152597456, ClinGen allele CA391041964.

ClinVar aggregate classification (germline): Uncertain significance. Review status: criteria provided, multiple submitters, no conflicts (2 of 4 stars). 2 submissions from 2 submitters: Uncertain significance (2). Last evaluated 2024-02-20.

Conditions:
Charcot-Marie-Tooth disease axonal type 2O. Also called: Charcot-Marie-Tooth disease, axonal, type 20; CHARCOT-MARIE-TOOTH NEUROPATHY, AXONAL, TYPE 2O; CHARCOT-MARIE-TOOTH DISEASE, AXONAL, AUTOSOMAL DOMINANT, TYPE 2O; Charcot-Marie-Tooth Neuropathy Type 2O. Identifiers: Orphanet 284232, MedGen C3280220, MONDO:0013644, OMIM 614228.

gnomAD v4.1: 1 of 1,614,184 alleles (0.000062%); highest among the groups gnomAD compares: Non-Finnish European, 0.000085%; no homozygotes.

Submissions (2):

Labcorp Genetics (formerly Invitae), Labcorp
Classification: Uncertain significance for Charcot-Marie-Tooth disease axonal type 2O. Last evaluated: 2024-02-20. Review status: criteria provided, single submitter. Criteria: Invitae Variant Classification Sherloc (09022015). Collection method: clinical testing. Allele origin: germline.
Comment: This sequence change replaces arginine, which is basic and polar, with histidine, which is basic and polar, at codon 4178 of the DYNC1H1 protein (p.Arg4178His). This variant is not present in population databases (gnomAD no frequency). This variant has not been reported in the literature in individuals affected with DYNC1H1-related conditions. ClinVar contains an entry for this variant (Variation ID: 1439330). Advanced modeling of protein sequence and biophysical properties (such as structural, functional, and spatial information, amino acid conservation, physicochemical variation, residue mobility, and thermodynamic stability) performed at Invitae indicates that this missense variant is not expected to disrupt DYNC1H1 protein function with a negative predictive value of 95%. In summary, the available evidence is currently insufficient to determine the role of this variant in disease. Therefore, it has been classified as a Variant of Uncertain Significance.

GeneDx
Classification: Uncertain significance. Last evaluated: 2022-11-04. Review status: criteria provided, single submitter. Criteria: GeneDx Variant Classification Process June 2021. Collection method: clinical testing. Allele origin: germline. Affected: yes.
Comment: Not observed at significant frequency in large population cohorts (gnomAD); In silico analysis supports that this missense variant has a deleterious effect on protein structure/function; Has not been previously published as pathogenic or benign to our knowledge; This variant is associated with the following publications: (PMID: 26100331, 25609763, 25512093)